The following is an entry in ClinVar:

ClinVar aggregate classification (germline): Uncertain significance (1 of 4 stars; one submission).

Allele frequency attached by ClinVar (database versions not stated): gnomAD exomes below 0.00001.

Submission:

Labcorp Genetics (formerly Invitae), Labcorp
Classification: Uncertain significance. Last evaluated: 2021-08-09. Review status: criteria provided, single submitter. Criteria: Invitae Variant Classification Sherloc (09022015). Collection method: clinical testing. Allele origin: germline.
Comment: In summary, the available evidence is currently insufficient to determine the role of this variant in disease. Therefore, it has been classified as a Variant of Uncertain Significance. This variant is not present in population databases (ExAC no frequency). Algorithms developed to predict the effect of missense changes on protein structure and function are either unavailable or do not agree on the potential impact of this missense change (SIFT: "Deleterious"; PolyPhen-2: "Benign"; Align-GVGD: "Class C0"). This variant has not been reported in the literature in individuals affected with VAV1-related conditions. This sequence change replaces cysteine with tyrosine at codon 652 of the VAV1 protein (p.Cys652Tyr). The cysteine residue is highly conserved and there is a large physicochemical difference between cysteine and tyrosine.

NM_005428.4(VAV1):c.1955G>A (p.Cys652Tyr)

Gene: VAV1 (vav guanine nucleotide exchange factor 1; plus strand). Cytogenetic location: 19p13.3.
Variant type: single nucleotide variant.
Coding change: c.1955G>A on transcript NM_005428.4 (MANE Select); coding-DNA position 1955, G replaced by A.
Protein change: p.Cys652Tyr; replaces cysteine 652 with tyrosine.
Molecular consequence: missense variant. On other transcripts: intron variant (1).
Genome position (GRCh38, 1-based): chr19:6,837,025, G>A. VCF-style: chr19-6837025-G-A. GRCh37 (hg19) VCF-style: chr19-6837036-G-A.
Other names: c.1859G>A, p.Cys620Tyr (NM_001258207.2); c.1914+457G>A (NM_001258206.2); short protein forms C620Y, C652Y.
Identifiers: ClinVar variation 1359411 (VCV001359411.6), dbSNP rs2144801271, ClinGen allele CA403632393.